The following is an entry in ClinVar:

ClinVar aggregate classification (germline): Uncertain significance (1 of 4 stars; one submission).

Submission:

Labcorp Genetics (formerly Invitae), Labcorp
Classification: Uncertain significance. Last evaluated: 2022-07-29. Review status: criteria provided, single submitter. Criteria: Invitae Variant Classification Sherloc (09022015). Collection method: clinical testing. Allele origin: germline.
Comment: This sequence change replaces isoleucine, which is neutral and non-polar, with arginine, which is basic and polar, at codon 523 of the FAM111A protein (p.Ile523Arg). This variant is not present in population databases (gnomAD no frequency). This variant has not been reported in the literature in individuals affected with FAM111A-related conditions. Algorithms developed to predict the effect of missense changes on protein structure and function are either unavailable or do not agree on the potential impact of this missense change (SIFT: "Deleterious"; PolyPhen-2: "Possibly Damaging"; Align-GVGD: "Class C15"). In summary, the available evidence is currently insufficient to determine the role of this variant in disease. Therefore, it has been classified as a Variant of Uncertain Significance.

NM_001312909.2(FAM111A):c.1568T>G (p.Ile523Arg)

Gene: FAM111A (FAM111 trypsin like peptidase A; plus strand). Cytogenetic location: 11q12.1.
Variant type: single nucleotide variant.
Coding change: c.1568T>G on transcript NM_001312909.2 (MANE Select); coding-DNA position 1568, T replaced by G.
Protein change: p.Ile523Arg; replaces isoleucine 523 with arginine.
Molecular consequence: missense variant.
Genome position (GRCh38, 1-based): chr11:59,153,236, T>G. VCF-style: chr11-59153236-T-G. GRCh37 (hg19) VCF-style: chr11-58920709-T-G.
Other names: c.1568T>G, p.Ile523Arg (NM_001142519.3, NM_001142520.3, NM_001142521.3 and 29 more transcripts); short protein forms I523R.
Identifiers: ClinVar variation 2114611 (VCV002114611.4), dbSNP rs2496318033, ClinGen allele CA380788441.
Genomic context (GRCh38, chr11:59,153,236, plus strand): 5'-CTAAAAAAGCAGAAAGTCCAGAGTATGTCCATATGTATACTCAAAGAAGTTTCCAGAAAA[T>G]AGTTCACAACCCTGATGTGATTACCTATGACACTGAATTTTTCTTTGGGGCTTCCGGCTC-3'
Protein context (NP_001299838.1, residues 513-533): HMYTQRSFQK[Ile523Arg]VHNPDVITYD